The following is an entry in ClinVar:

NC_000013.10:g.(?_48934143)_(48941749_?)del

Gene: RB1 (RB transcriptional corepressor 1; plus strand). Cytogenetic location: 13q14.2.
Variant type: Deletion.
Identifiers: ClinVar variation 3244129 (VCV003244129.1).

ClinVar aggregate classification (germline): Pathogenic (1 of 4 stars; one submission).

Conditions:
Retinoblastoma (RB1). Also called: RETINOBLASTOMA, SOMATIC. Identifiers: Orphanet 790, MedGen C0035335, MeSH D012175, MONDO:0008380, OMIM 180200, HP:0009919. Disease mechanism: loss of function. Inheritance: Both sporadic and heritable forms are tested..

Submission:

Labcorp Genetics (formerly Invitae), Labcorp
Classification: Pathogenic for Retinoblastoma. Last evaluated: 2023-03-23. Review status: criteria provided, single submitter. Criteria: Invitae Variant Classification Sherloc (09022015). Collection method: clinical testing. Allele origin: unknown.
Comment: For these reasons, this variant has been classified as Pathogenic. This variant has not been reported in the literature in individuals affected with RB1-related conditions. This variant is a gross deletion of the genomic region encompassing exon(s) 7-10 of the RB1 gene. This deletion is out-of-frame, and is expected to create a premature termination codon and result in an absent or disrupted protein product. Loss-of-function variants in RB1 are known to be pathogenic (PMID: 17096365).

Literature cited by the submitters: PubMed 17096365.